The following is an entry in ClinVar:

NM_004793.4(LONP1):c.472C>A (p.Arg158Ser)

Gene: LONP1 (lon peptidase 1, mitochondrial; minus strand). Cytogenetic location: 19p13.3.
Variant type: single nucleotide variant.
Coding change: c.472C>A on transcript NM_004793.4 (MANE Select); coding-DNA position 472, C replaced by A.
Protein change: p.Arg158Ser; replaces arginine 158 with serine.
Molecular consequence: missense variant. On other transcripts: 5 prime UTR variant (1), non-coding transcript variant (1).
Genome position (GRCh38, 1-based): chr19:5,714,229, G>T on the plus strand (C>A on the coding strand, the complement: LONP1 is on the minus strand). VCF-style: chr19-5714229-G-T. GRCh37 (hg19) VCF-style: chr19-5714240-G-T.
Other names: c.280C>A, p.Arg94Ser (NM_001276479.2); c.-117C>A (NM_001276480.1); short protein forms R158S, R94S.
Identifiers: ClinVar variation 1315804 (VCV001315804.3), dbSNP rs370084099, ClinGen allele CA403540855.

ClinVar aggregate classification (germline): Uncertain significance (1 of 4 stars; one submission).

Submission:

GeneDx
Classification: Uncertain significance. Last evaluated: 2026-08-03. Review status: criteria provided, single submitter. Criteria: GeneDx Variant Classification Process June 2021. Collection method: clinical testing. Allele origin: germline.
Comment: Not observed at significant frequency in large population cohorts (gnomAD); In silico analysis supports that this missense variant has a deleterious effect on protein structure/function; Has not been previously published as pathogenic or benign to our knowledge; In silico analysis is inconclusive as to whether the variant alters gene splicing. In the absence of RNA/functional studies, the actual effect of this sequence change is unknown